The following is an entry in ClinVar:

ClinVar aggregate classification (germline): Conflicting classifications of pathogenicity. Review status: criteria provided, conflicting classifications (1 of 4 stars). 2 submissions from 2 submitters: Likely pathogenic (1); Uncertain significance (1). Last evaluated 2026-04-02.

Conditions:
Hartsfield-Bixler-Demyer syndrome (HRTFDS). Also called: FGFR1-Related Hartsfield Syndrome; Hartsfield syndrome; Holoprosencephaly, ectrodactyly, and bilateral cleft lip/palate. Identifiers: Orphanet 2117, MedGen C1845146, MONDO:0014196, OMIM 615465. Disease mechanism: loss of function.

Allele frequency attached by ClinVar (database versions not stated): gnomAD exomes below 0.00001; TOPMed below 0.00001.

Submissions (2):

GeneDx
Classification: Likely pathogenic. Last evaluated: 2026-04-02. Review status: criteria provided, single submitter. Criteria: GeneDx Variant Classification Process June 2021. Collection method: clinical testing. Allele origin: germline.
Comment: Canonical splice site variant expected to result in aberrant splicing, although in the absence of functional evidence the actual effect of this sequence change is unknown.; Not observed at significant frequency in large population cohorts (gnomAD); Has not been previously published as pathogenic or benign to our knowledge

Baylor Genetics
Classification: Uncertain significance for Hartsfield-Bixler-Demyer syndrome. Last evaluated: 2020-08-07. Review status: criteria provided, single submitter. Criteria: ACMG Guidelines, 2015. Collection method: clinical testing. Allele origin: unknown. Affected: yes.
Comment: This variant was determined to be of uncertain significance according to ACMG Guidelines, 2015 [PMID:25741868].

NM_023110.3(FGFR1):c.358+2T>C

Gene: FGFR1 (fibroblast growth factor receptor 1; minus strand). Cytogenetic location: 8p11.23.
Variant type: single nucleotide variant.
Coding change: c.358+2T>C on transcript NM_023110.3 (MANE Select); the canonical splice donor site of the intron after coding-DNA position 358, T replaced by C.
Molecular consequence: splice donor variant. On other transcripts: intron variant (5).
Genome position (GRCh38, 1-based): chr8:38,429,680, A>G on the plus strand (T>C on the coding strand, the complement: FGFR1 is on the minus strand). VCF-style: chr8-38429680-A-G. GRCh37 (hg19) VCF-style: chr8-38287198-A-G.
Other names: c.92-1245T>C (NM_001354368.2, NM_001354370.2, NM_023106.3 and 2 more transcripts); c.358+2T>C (NM_001354367.2, NM_015850.4, NM_001174063.2 and 3 more transcripts); c.334+2T>C (NM_001174064.2); c.457+2T>C (NM_001174067.2).
Identifiers: ClinVar variation 1030826 (VCV001030826.3), dbSNP rs1822160024, ClinGen allele CA370736116.